The following is an entry in ClinVar:

ClinVar aggregate classification (germline): Uncertain significance (1 of 4 stars; one submission).

Allele frequency attached by ClinVar (database versions not stated): ExAC 0.00001.
gnomAD v4.1: 18 of 1,613,918 alleles (0.0011%); highest among the groups gnomAD compares: Non-Finnish European, 0.0015%; no homozygotes.

Submission:

Labcorp Genetics (formerly Invitae), Labcorp
Classification: Uncertain significance. Last evaluated: 2022-08-05. Review status: criteria provided, single submitter. Criteria: Invitae Variant Classification Sherloc (09022015). Collection method: clinical testing. Allele origin: germline.
Comment: In summary, the available evidence is currently insufficient to determine the role of this variant in disease. Therefore, it has been classified as a Variant of Uncertain Significance. Advanced modeling of protein sequence and biophysical properties (such as structural, functional, and spatial information, amino acid conservation, physicochemical variation, residue mobility, and thermodynamic stability) performed at Invitae indicates that this missense variant is not expected to disrupt ABCA1 protein function. This sequence change replaces leucine, which is neutral and non-polar, with phenylalanine, which is neutral and non-polar, at codon 265 of the ABCA1 protein (p.Leu265Phe). This variant is present in population databases (rs759851687, gnomAD 0.0009%). This variant has not been reported in the literature in individuals affected with ABCA1-related conditions.

NM_005502.4(ABCA1):c.793C>T (p.Leu265Phe)

Gene: ABCA1 (ATP binding cassette subfamily A member 1; minus strand). Cytogenetic location: 9q31.1.
Variant type: single nucleotide variant.
Coding change: c.793C>T on transcript NM_005502.4 (MANE Select); coding-DNA position 793, C replaced by T.
Protein change: p.Leu265Phe; replaces leucine 265 with phenylalanine.
Molecular consequence: missense variant.
Genome position (GRCh38, 1-based): chr9:104,845,497, G>A on the plus strand (C>T on the coding strand, the complement: ABCA1 is on the minus strand). VCF-style: chr9-104845497-G-A. GRCh37 (hg19) VCF-style: chr9-107607778-G-A.
Other names: short protein forms L265F.
Identifiers: ClinVar variation 1970634 (VCV001970634.5), dbSNP rs759851687, ClinGen allele CA5169210.
Genomic context (GRCh38, chr9:104,845,497, plus strand): 5'-TGGATGATCCGCTTCCTGGTACTGGAAAGACACAACTTACCTCCTGGGCCAGAGTCCCAA[G>A]ACTATGCAGCAATGTTTTTGTGGCTTCAGCCAGCTCCTTGCTCGGGAAGGGAGATGTAGA-3'
Protein context (NP_005493.2, residues 255-275): AEATKTLLHS[Leu265Phe]GTLAQELFSM